The following is an entry in ClinVar:

NM_199242.3(UNC13D):c.2509C>T (p.Arg837Cys)

Gene: UNC13D (unc-13 homolog D; minus strand). Cytogenetic location: 17q25.1.
Variant type: single nucleotide variant.
Coding change: c.2509C>T on transcript NM_199242.3 (MANE Select); coding-DNA position 2509, C replaced by T.
Protein change: p.Arg837Cys; replaces arginine 837 with cysteine.
Molecular consequence: missense variant.
Genome position (GRCh38, 1-based): chr17:75,831,287, G>A on the plus strand (C>T on the coding strand, the complement: UNC13D is on the minus strand). VCF-style: chr17-75831287-G-A. GRCh37 (hg19) VCF-style: chr17-73827368-G-A.
Other names: short protein forms R837C.
Identifiers: ClinVar variation 1984627 (VCV001984627.2), dbSNP rs1310341714, ClinGen allele CA401082291.

ClinVar aggregate classification (germline): Uncertain significance. Review status: criteria provided, multiple submitters, no conflicts (2 of 4 stars). 2 submissions from 2 submitters: Uncertain significance (2). Last evaluated 2024-02-28.

Conditions:
Familial hemophagocytic lymphohistiocytosis 3 (FHL3). Also called: UNC13D-Related Familial Hemophagocytic Lymphohistiocytosis (UNC13D-fHLH). Identifiers: Orphanet 540, MedGen C1837174, MONDO:0012146, OMIM 608898.
Inborn genetic diseases. Identifiers: MedGen C0950123, MeSH D030342.

Allele frequency attached by ClinVar (database versions not stated): gnomAD 0.00001; TOPMed 0.00001.
gnomAD v4.1: 16 of 1,613,722 alleles (0.00099%); highest among the groups gnomAD compares: Admixed American, 0.0067%; no homozygotes.

Submissions (2):

Ambry Genetics
Classification: Uncertain significance for Inborn genetic diseases. Last evaluated: 2024-02-28. Review status: criteria provided, single submitter. Criteria: Ambry Variant Classification Scheme 2023. Collection method: clinical testing. Allele origin: germline.

Labcorp Genetics (formerly Invitae), Labcorp
Classification: Uncertain significance for Familial hemophagocytic lymphohistiocytosis 3. Last evaluated: 2022-01-11. Review status: criteria provided, single submitter. Criteria: Invitae Variant Classification Sherloc (09022015). Collection method: clinical testing. Allele origin: germline.
Comment: This sequence change replaces arginine, which is basic and polar, with cysteine, which is neutral and slightly polar, at codon 837 of the UNC13D protein (p.Arg837Cys). This variant is present in population databases (no rsID available, gnomAD 0.006%). This variant has not been reported in the literature in individuals affected with UNC13D-related conditions. Algorithms developed to predict the effect of missense changes on protein structure and function are either unavailable or do not agree on the potential impact of this missense change (SIFT: "Not Available"; PolyPhen-2: "Probably Damaging"; Align-GVGD: "Not Available"). In summary, the available evidence is currently insufficient to determine the role of this variant in disease. Therefore, it has been classified as a Variant of Uncertain Significance.